The following is an entry in ClinVar:

ClinVar aggregate classification (germline): Likely pathogenic. Review status: criteria provided, multiple submitters, no conflicts (2 of 4 stars). 2 submissions from 2 submitters: Likely pathogenic (2). Last evaluated 2021-04-08.

Conditions:
Retinitis pigmentosa 3. Also called: CHOROIDORETINAL DEGENERATION WITH RETINAL REFLEX IN HETEROZYGOUS WOMEN. Identifiers: Orphanet 791, MedGen C1845667, MONDO:0010227, OMIM 300029.

Submissions (2):

Ocular Genomics Institute, Massachusetts Eye and Ear
Classification: Likely pathogenic for Retinitis pigmentosa 3. Last evaluated: 2021-04-08. Review status: criteria provided, single submitter. Criteria: ACMG Guidelines, 2015. Collection method: research. Allele origin: germline. Affected: yes.
Comment: Through a review of available evidence we were able to apply the following criteria: PVS1, PM2. Based on this evidence we have classified this variant as Likely Pathogenic.

PreventionGenetics, part of Exact Sciences
Classification: Likely pathogenic. Last evaluated: 2019-08-03. Review status: criteria provided, single submitter. Criteria: ACMG Guidelines, 2015. Collection method: clinical testing. Allele origin: germline.

NM_001034853.2(RPGR):c.196C>T (p.Gln66Ter)

Gene: RPGR (retinitis pigmentosa GTPase regulator; minus strand). Cytogenetic location: Xp11.4.
Variant type: single nucleotide variant.
Coding change: c.196C>T on transcript NM_001034853.2 (MANE Select); coding-DNA position 196, C replaced by T.
Protein change: p.Gln66Ter; replaces glutamine 66 with a stop codon.
Molecular consequence: nonsense. On other transcripts: non-coding transcript variant (6).
Genome position (GRCh38, 1-based): chrX:38,322,904, G>A on the plus strand (C>T on the coding strand, the complement: RPGR is on the minus strand). VCF-style: chrX-38322904-G-A. GRCh37 (hg19) VCF-style: chrX-38182157-G-A.
Other names: c.196C>T, p.Gln66Ter (NM_000328.3, NM_001367245.1, NM_001367246.1 and 4 more transcripts); c.226C>T, p.Gln76Ter (NM_001367248.1); short protein forms Q66*, Q76*.
Identifiers: ClinVar variation 1065651 (VCV001065651.3), dbSNP rs2147290510, ClinGen allele CA412745610.